The following is an entry in ClinVar:

ClinVar aggregate classification (germline): Uncertain significance (1 of 4 stars; one submission).

Conditions:
Neutrophil immunodeficiency syndrome. Also called: Immunodeficiency 73A with defective neutrophil chemotaxis and leukocytosis. Identifiers: Orphanet 183707, MedGen C1842398, MONDO:0011988, OMIM 608203.

Submission:

Labcorp Genetics (formerly Invitae), Labcorp
Classification: Uncertain significance for Neutrophil immunodeficiency syndrome. Last evaluated: 2023-01-15. Review status: criteria provided, single submitter. Criteria: Invitae Variant Classification Sherloc (09022015). Collection method: clinical testing. Allele origin: germline.
Comment: This variant is not present in population databases (gnomAD no frequency). In summary, the available evidence is currently insufficient to determine the role of this variant in disease. Therefore, it has been classified as a Variant of Uncertain Significance. Advanced modeling of protein sequence and biophysical properties (such as structural, functional, and spatial information, amino acid conservation, physicochemical variation, residue mobility, and thermodynamic stability) performed at Invitae indicates that this missense variant is not expected to disrupt RAC2 protein function. This variant has not been reported in the literature in individuals affected with RAC2-related conditions. This sequence change replaces isoleucine, which is neutral and non-polar, with valine, which is neutral and non-polar, at codon 4 of the RAC2 protein (p.Ile4Val).

NM_002872.5(RAC2):c.10A>G (p.Ile4Val)

Genes: RAC2 (Rac family small GTPase 2; minus strand), LOC130067357 (ATAC-STARR-seq lymphoblastoid active region 18957; plus strand). Cytogenetic location: 22q13.1.
Variant type: single nucleotide variant.
Coding change: c.10A>G on transcript NM_002872.5 (MANE Select); coding-DNA position 10, A replaced by G.
Protein change: p.Ile4Val; replaces isoleucine 4 with valine.
Molecular consequence: missense variant.
Genome position (GRCh38, 1-based): chr22:37,244,139, T>C on the plus strand (A>G on the coding strand, the complement: RAC2 is on the minus strand). VCF-style: chr22-37244139-T-C. GRCh37 (hg19) VCF-style: chr22-37640179-T-C.
Other names: short protein forms I4V.
Identifiers: ClinVar variation 2828869 (VCV002828869.3), dbSNP rs2517940947, ClinGen allele CA411444151.